The following is an entry in ClinVar:

ClinVar aggregate classification (germline): Uncertain significance (1 of 4 stars; one submission).

Conditions:
UBR4-related disorder. Also called: UBR4-related condition.

gnomAD v4.1: 6 of 1,613,742 alleles (0.00037%); highest among the groups gnomAD compares: Admixed American, 0.0033%; no homozygotes.

Submission:

PreventionGenetics, part of Exact Sciences
Classification: Uncertain significance for UBR4-related condition. Last evaluated: 2026-05-28. Review status: criteria provided, single submitter. Criteria: ACMG Guidelines, 2015. Collection method: clinical testing. Allele origin: germline.
Comment: The UBR4 c.7223C>T variant is predicted to result in the amino acid substitution p.Ser2408Leu. To our knowledge, this variant has not been reported in the literature. This variant is reported in 0.0058% of alleles in individuals of Latino descent in gnomAD. At this time, the clinical significance of this variant is uncertain due to the absence of conclusive functional and genetic evidence.

NM_020765.3(UBR4):c.7223C>T (p.Ser2408Leu)

Gene: UBR4 (ubiquitin protein ligase E3 component n-recognin 4; minus strand). Cytogenetic location: 1p36.13.
Variant type: single nucleotide variant.
Coding change: c.7223C>T on transcript NM_020765.3 (MANE Select); coding-DNA position 7223, C replaced by T.
Protein change: p.Ser2408Leu; replaces serine 2408 with leucine.
Molecular consequence: missense variant.
Genome position (GRCh38, 1-based): chr1:19,150,784, G>A on the plus strand (C>T on the coding strand, the complement: UBR4 is on the minus strand). VCF-style: chr1-19150784-G-A. GRCh37 (hg19) VCF-style: chr1-19477278-G-A.
Other names: short protein forms S2408L.
Identifiers: ClinVar variation 4989002 (VCV004989002.1).